The following is an entry in ClinVar:

NM_005732.4(RAD50):c.942A>G (p.Thr314=)

Gene: RAD50 (RAD50 double strand break repair protein; plus strand). Cytogenetic location: 5q31.1.
Variant type: single nucleotide variant.
Coding change: c.942A>G on transcript NM_005732.4 (MANE Select); coding-DNA position 942, A replaced by G.
Protein change: p.Thr314=; no amino-acid change (threonine 314 retained).
Molecular consequence: synonymous variant.
Genome position (GRCh38, 1-based): chr5:132,587,980, A>G. VCF-style: chr5-132587980-A-G. GRCh37 (hg19) VCF-style: chr5-131923672-A-G.
Identifiers: ClinVar variation 1766917 (VCV001766917.5), dbSNP rs2479632556, ClinGen allele CA446359176.

ClinVar aggregate classification (germline): Uncertain significance. Review status: criteria provided, multiple submitters, no conflicts (2 of 4 stars). 2 submissions from 2 submitters: Uncertain significance (2). Last evaluated 2023-02-27.

Conditions:
Hereditary cancer-predisposing syndrome. Also called: Hereditary Cancer Syndrome; Hereditary neoplastic syndrome; Neoplastic Syndromes, Hereditary; Tumor predisposition. Identifiers: Orphanet 140162, MedGen C0027672, MeSH D009386, MONDO:0015356.

Allele frequency attached by ClinVar (database versions not stated): gnomAD exomes below 0.00001.
gnomAD v4.1: 4 of 1,612,702 alleles (0.00025%); highest among the groups gnomAD compares: Non-Finnish European, 0.00034%; no homozygotes.

Submissions (2):

Labcorp Genetics (formerly Invitae), Labcorp
Classification: Uncertain significance for Hereditary cancer-predisposing syndrome. Last evaluated: 2023-02-27. Review status: criteria provided, single submitter. Criteria: Invitae Variant Classification Sherloc (09022015). Collection method: clinical testing. Allele origin: germline.
Comment: This sequence change affects codon 314 of the RAD50 mRNA. It is a 'silent' change, meaning that it does not change the encoded amino acid sequence of the RAD50 protein. This variant is not present in population databases (gnomAD no frequency). This variant has not been reported in the literature in individuals affected with RAD50-related conditions. ClinVar contains an entry for this variant (Variation ID: 1766917). Studies have shown that this variant is associated with altered splicing resulting in unknown protein product impact (Invitae). In summary, the available evidence is currently insufficient to determine the role of this variant in disease. Therefore, it has been classified as a Variant of Uncertain Significance.

Ambry Genetics
Classification: Uncertain significance for Hereditary cancer-predisposing syndrome. Last evaluated: 2021-02-12. Review status: criteria provided, single submitter. Criteria: Ambry Variant Classification Scheme 2023. Collection method: clinical testing. Allele origin: germline.
Comment: The c.942A>G variant (also known as p.T314T), located in coding exon 7 of the RAD50 gene. This variant results from an A to G substitution at nucleotide position 942. This nucleotide substitution does not change the threonine at codon 314. This nucleotide position is not well conserved in available vertebrate species. In silico splice site analysis predicts that this alteration will result in the creation or strengthening of a novel splice donor site. Since supporting evidence is limited at this time, the clinical significance of this alteration remains unclear.